The following is an entry in ClinVar:

NM_001165963.4(SCN1A):c.836A>G (p.Gln279Arg)

Gene: SCN1A (sodium voltage-gated channel alpha subunit 1; minus strand). Cytogenetic location: 2q24.3.
Variant type: single nucleotide variant.
Coding change: c.836A>G on transcript NM_001165963.4 (MANE Select); coding-DNA position 836, A replaced by G.
Protein change: p.Gln279Arg; replaces glutamine 279 with arginine.
Molecular consequence: missense variant. On other transcripts: 5 prime UTR variant (1), non-coding transcript variant (1).
Genome position (GRCh38, 1-based): chr2:166,051,847, T>C on the plus strand (A>G on the coding strand, the complement: SCN1A is on the minus strand). VCF-style: chr2-166051847-T-C. GRCh37 (hg19) VCF-style: chr2-166908357-T-C.
Other names: c.836A>G, p.Gln279Arg (NM_001165964.3, NM_001202435.3, NM_001353948.2 and 10 more transcripts); c.-1590A>G (NM_001353961.2); short protein forms Q279R.
Identifiers: ClinVar variation 1805339 (VCV001805339.1), dbSNP rs2105889601, ClinGen allele CA349073054.

ClinVar aggregate classification (germline): Uncertain significance (1 of 4 stars; one submission).

Conditions:
Generalized epilepsy with febrile seizures plus, type 2 (GEFSP2). Also called: GEFS+, TYPE 2. Identifiers: Orphanet 36387, MedGen C1858673, MONDO:0011461, OMIM 604403.

Allele frequency attached by ClinVar (database versions not stated): gnomAD exomes below 0.00001.

Submission:

Victorian Clinical Genetics Services, Murdoch Childrens Research Institute
Classification: Uncertain significance for Generalized epilepsy with febrile seizures plus, type 2. Last evaluated: 2020-10-19. Review status: criteria provided, single submitter. Criteria: ACMG Guidelines, 2015. Collection method: clinical testing. Allele origin: germline. Inheritance: Autosomal dominant inheritance. Affected: yes.
Comment: Based on the classification scheme VCGS_Germline_v1.3.3, this variant is classified as 3B-VUS. Following criteria are met: 0103 - Loss of function and gain of function are known mechanisms of disease in this gene and are associated with SCN1A-related epilepsy (PMID: 28488083). (I) 0107 - This gene is associated with autosomal dominant disease. (I) 0200 - Variant is predicted to result in a missense amino acid change from glutamine to arginine. (I) 0251 - This variant is heterozygous. (I) 0301 - Variant is absent from gnomAD (both v2 and v3). (SP) 0502 - Missense variant with conflicting in silico predictions and uninformative conservation. (I) 0600 - Variant is located in the annotated ion transport domain (NCBI, PDB, Decipher). (I) 0705 - No comparable missense variants in the same codon have previous evidence for pathogenicity. (I) 0807 - This variant has no previous evidence of pathogenicity. (I) 0905 - No published segregation evidence has been identified for this variant. (I) 1007 - No published functional evidence has been identified for this variant. (I) 1208 - Inheritance information for this variant is not currently available in this individual. (I) Legend: (SP) - Supporting pathogenic, (I) - Information, (SB) - Supporting benign

Literature cited by the submitters: PubMed 28488083.